The following is an entry in ClinVar:

ClinVar aggregate classification (germline): Uncertain significance. Review status: criteria provided, multiple submitters, no conflicts (2 of 4 stars). 2 submissions from 2 submitters: Uncertain significance (2). Last evaluated 2024-05-24.

Conditions:
Kabuki syndrome. Also called: NIIKAWA-KUROKI SYNDROME; Kabuki make-up syndrome. Identifiers: Orphanet 2322, MedGen C0796004, MONDO:0016512.

Submissions (2):

GeneDx
Classification: Uncertain significance. Last evaluated: 2024-05-24. Review status: criteria provided, single submitter. Criteria: GeneDx Variant Classification Process June 2021. Collection method: clinical testing. Allele origin: germline. Affected: yes.
Comment: Not observed at significant frequency in large population cohorts (gnomAD); In silico analysis supports that this missense variant has a deleterious effect on protein structure/function; In silico analysis is inconclusive as to whether the variant alters gene splicing. In the absence of RNA/functional studies, the actual effect of this sequence change is unknown.; Has not been previously published as pathogenic or benign to our knowledge

Labcorp Genetics (formerly Invitae), Labcorp
Classification: Uncertain significance for Kabuki syndrome. Last evaluated: 2021-03-27. Review status: criteria provided, single submitter. Criteria: Invitae Variant Classification Sherloc (09022015). Collection method: clinical testing. Allele origin: germline.
Comment: This sequence change replaces aspartic acid with glycine at codon 161 of the KMT2D protein (p.Asp161Gly). The aspartic acid residue is moderately conserved and there is a moderate physicochemical difference between aspartic acid and glycine. This variant is not present in population databases (ExAC no frequency). This variant has not been reported in the literature in individuals with KMT2D-related conditions. Advanced modeling of protein sequence and biophysical properties (such as structural, functional, and spatial information, amino acid conservation, physicochemical variation, residue mobility, and thermodynamic stability) performed at Invitae indicates that this missense variant is not expected to disrupt KMT2D protein function. In summary, the available evidence is currently insufficient to determine the role of this variant in disease. Therefore, it has been classified as a Variant of Uncertain Significance.

NM_003482.4(KMT2D):c.482A>G (p.Asp161Gly)

Gene: KMT2D (lysine methyltransferase 2D; minus strand). Cytogenetic location: 12q13.12.
Variant type: single nucleotide variant.
Coding change: c.482A>G on transcript NM_003482.4 (MANE Select); coding-DNA position 482, A replaced by G.
Protein change: p.Asp161Gly; replaces aspartic acid 161 with glycine.
Molecular consequence: missense variant.
Genome position (GRCh38, 1-based): chr12:49,054,335, T>C on the plus strand (A>G on the coding strand, the complement: KMT2D is on the minus strand). VCF-style: chr12-49054335-T-C. GRCh37 (hg19) VCF-style: chr12-49448118-T-C.
Other names: c.482A>G (NM_003482.3); short protein forms D161G.
Identifiers: ClinVar variation 1428255 (VCV001428255.9), dbSNP rs2120707721, ClinGen allele CA384686670.